The following is an entry in ClinVar:

NM_000191.3(HMGCL):c.27G>T (p.Pro9=)

Gene: HMGCL (3-hydroxy-3-methylglutaryl-CoA lyase; minus strand). Cytogenetic location: 1p36.11.
Variant type: single nucleotide variant.
Coding change: c.27G>T on transcript NM_000191.3 (MANE Select); coding-DNA position 27, G replaced by T.
Protein change: p.Pro9=; no amino-acid change (proline 9 retained).
Molecular consequence: synonymous variant.
Genome position (GRCh38, 1-based): chr1:23,825,389, C>A on the plus strand (G>T on the coding strand, the complement: HMGCL is on the minus strand). VCF-style: chr1-23825389-C-A. GRCh37 (hg19) VCF-style: chr1-24151879-C-A.
Other names: c.27G>T, p.Pro9= (NM_001166059.2); c.27G>T (NM_000191.2).
Identifiers: ClinVar variation 1126768 (VCV001126768.11), dbSNP rs1337954372, ClinGen allele CA416625087.

ClinVar aggregate classification (germline): Likely benign. Review status: criteria provided, single submitter (1 of 4 stars). 2 submissions from 2 submitters: Likely benign (1). 1 of the submissions does not count toward it. Last evaluated 2020-07-20.

Conditions:
HMGCL-related disorder. Also called: HMGCL-related condition.
Deficiency of hydroxymethylglutaryl-CoA lyase (HMGCLD). Also called: HMGCL DEFICIENCY; HYDROXYMETHYLGLUTARIC ACIDURIA; HMG-CoA LYASE DEFICIENCY; Defect in leucine metabolism; 3-hydroxy-3-methylglutaric aciduria. Identifiers: Orphanet 20, MedGen C1533587, MONDO:0009520, OMIM 246450.

Allele frequency attached by ClinVar (database versions not stated): gnomAD 0.00001; TOPMed 0.00001.
gnomAD v4.1: 3 of 1,561,332 alleles (0.00019%); highest among the groups gnomAD compares: Non-Finnish European, 0.00026%; no homozygotes.

Submissions (2):

Labcorp Genetics (formerly Invitae), Labcorp
Classification: Likely benign for Deficiency of hydroxymethylglutaryl-CoA lyase. Last evaluated: 2020-07-20. Review status: criteria provided, single submitter. Criteria: Invitae Variant Classification Sherloc (09022015). Collection method: clinical testing. Allele origin: germline.

PreventionGenetics, part of Exact Sciences
Classification: Likely benign for HMGCL-related condition. Last evaluated: 2021-10-12. Review status: no assertion criteria provided. Collection method: clinical testing. Allele origin: germline. Not counted in ClinVar's aggregate classification.
Comment: This variant is classified as likely benign based on ACMG/AMP sequence variant interpretation guidelines (Richards et al. 2015 PMID: 25741868, with internal and published modifications).